The following is an entry in ClinVar:

ClinVar aggregate classification (germline): Uncertain significance. Review status: criteria provided, multiple submitters, no conflicts (2 of 4 stars). 2 submissions from 2 submitters: Uncertain significance (2). Last evaluated 2024-11-22.

Conditions:
RASopathy. Also called: rasopathies; Noonan spectrum disorder. Identifiers: Orphanet 536391, MedGen C5555857, MONDO:0021060.
Cardiofaciocutaneous syndrome 4 (CFC4). Also called: MAP2K2-Related Cardiofaciocutaneous Syndrome. Identifiers: Orphanet 1340, MedGen C3809007, MONDO:0014114, OMIM 615280.

gnomAD v4.1: 1 of 1,607,452 alleles (0.000062%); no homozygotes.

Submissions (2):

Labcorp Genetics (formerly Invitae), Labcorp
Classification: Uncertain significance for RASopathy. Last evaluated: 2024-11-22. Review status: criteria provided, single submitter. Criteria: Invitae Variant Classification Sherloc (09022015). Collection method: clinical testing. Allele origin: germline.
Comment: This sequence change replaces leucine, which is neutral and non-polar, with valine, which is neutral and non-polar, at codon 275 of the MAP2K2 protein (p.Leu275Val). This variant is not present in population databases (gnomAD no frequency). This variant has not been reported in the literature in individuals affected with MAP2K2-related conditions. Invitae Evidence Modeling of protein sequence and biophysical properties (such as structural, functional, and spatial information, amino acid conservation, physicochemical variation, residue mobility, and thermodynamic stability) indicates that this missense variant is not expected to disrupt MAP2K2 protein function with a negative predictive value of 95%. In summary, the available evidence is currently insufficient to determine the role of this variant in disease. Therefore, it has been classified as a Variant of Uncertain Significance.

Laboratorio de Genetica e Diagnostico Molecular, Hospital Israelita Albert Einstein
Classification: Uncertain significance for Cardiofaciocutaneous syndrome 4. Last evaluated: 2024-02-25. Review status: criteria provided, single submitter. Criteria: ACMG Guidelines, 2015. Collection method: clinical testing. Allele origin: germline. Affected: yes.
Comment: ACMG classification criteria: PM2 moderate

NM_030662.4(MAP2K2):c.823C>G (p.Leu275Val)

Gene: MAP2K2 (mitogen-activated protein kinase kinase 2; minus strand). Cytogenetic location: 19p13.3.
Variant type: single nucleotide variant.
Coding change: c.823C>G on transcript NM_030662.4 (MANE Select); coding-DNA position 823, C replaced by G.
Protein change: p.Leu275Val; replaces leucine 275 with valine.
Molecular consequence: missense variant.
Genome position (GRCh38, 1-based): chr19:4,099,297, G>C on the plus strand (C>G on the coding strand, the complement: MAP2K2 is on the minus strand). VCF-style: chr19-4099297-G-C. GRCh37 (hg19) VCF-style: chr19-4099295-G-C.
Other names: short protein forms L275V.
Identifiers: ClinVar variation 3626122 (VCV003626122.3).